The following is an entry in ClinVar:

ClinVar aggregate classification (germline): Uncertain significance. Review status: criteria provided, single submitter (1 of 4 stars). 2 submissions from 2 submitters: Uncertain significance (1). 1 of the submissions does not count toward it. Last evaluated 2026-06-11.

Submissions (2):

Women's Health and Genetics/Laboratory Corporation of America, LabCorp
Classification: Uncertain significance. Last evaluated: 2026-06-11. Review status: criteria provided, single submitter. Criteria: LabCorp Variant Classification Summary - May 2015. Collection method: clinical testing. Allele origin: germline.
Comment: Variant summary: CD96 c.411_413delinsAAT (p.Thr138Ile) results in a non-conservative amino acid change in the encoded protein sequence. Algorithms developed to predict the effect of missense changes on protein structure and function are either unavailable or do not agree on the potential impact of this missense change. The variant was absent in 278294 control chromosomes. The available data on variant occurrences in the general population are insufficient to allow any conclusion about variant significance. To our knowledge, no occurrence of c.411_413delinsAAT in individuals affected with CD96-related conditions and no experimental evidence demonstrating its impact on protein function have been reported. ClinVar contains an entry for this variant (Variation ID: 591779). Based on the evidence outlined above, the variant was classified as uncertain significance.

Gharavi Laboratory, Columbia University
Classification: Uncertain significance. Last evaluated: 2018-09-16. Review status: no assertion criteria provided. Criteria: ACMG Guidelines, 2015. Collection method: research. Allele origin: germline. Affected: yes. Not counted in ClinVar's aggregate classification.

NM_005816.5(CD96):c.411_413delinsAAT (p.Thr138Ile)

Gene: CD96 (CD96 molecule; plus strand). Cytogenetic location: 3q13.13.
Variant type: Indel.
Coding change: c.411_413delinsAAT on transcript NM_005816.5 (MANE Select); coding-DNA positions 411 to 413, GAC replaced by AAT.
Protein change: p.Thr138Ile; replaces threonine 138 with isoleucine.
Molecular consequence: missense variant. On other transcripts: non-coding transcript variant (1).
Genome position (GRCh38, 1-based): chr3:111,545,395-111,545,397, GAC replaced by AAT. VCF-style: chr3-111545395-GAC-AAT. GRCh37 (hg19) VCF-style: chr3-111264242-GAC-AAT.
Other names: c.411_413delinsAAT, p.Thr138Ile (NM_001318889.2, NM_198196.3); short protein forms T138I.
Identifiers: ClinVar variation 591779 (VCV000591779.2), dbSNP rs1559707949, ClinGen allele CA891862833.
Genomic context (GRCh38, chr3:111,545,395, plus strand): 5'-GTGTATGCTTGTTCTGTATCCAGAGGGCATTCAGACTAAAATCTACAACCTTCTCATTCA[GAC>AAT]ACACGGTAAGCATAACTGGTAGAGGGATGTGCTTTCATTCAGCTCTCTCTCATTCAACAA-3'
Protein context (NP_005807.1, residues 128-148): QTKIYNLLIQ[Thr138Ile]HVTADEWNSN